The following is an entry in ClinVar:

ClinVar aggregate classification (germline): Likely benign. Review status: criteria provided, multiple submitters, no conflicts (2 of 4 stars). 2 submissions from 2 submitters: Likely benign (2). Last evaluated 2024-11-01.

Conditions:
Dilated cardiomyopathy 1G (CMD1G). Identifiers: Orphanet 154, MedGen C1858763, MONDO:0011400, OMIM 604145.
Autosomal recessive limb-girdle muscular dystrophy type 2J (LGMDR10). Also called: MUSCULAR DYSTROPHY, LIMB-GIRDLE, AUTOSOMAL RECESSIVE 10; Limb-girdle muscular dystrophy, type 2J. Identifiers: Orphanet 140922, MedGen C1837342, MONDO:0012127, OMIM 608807.

Submissions (2):

CeGaT Center for Human Genetics Tuebingen
Classification: Likely benign. Last evaluated: 2024-11-01. Review status: criteria provided, single submitter. Criteria: CeGaT Center For Human Genetics Tuebingen Variant Classification Criteria Version 2. Collection method: clinical testing. Allele origin: germline. Affected: yes. Observed: 1 variant allele.
Comment: TTN: PM2:Supporting, BP4, BP7

Labcorp Genetics (formerly Invitae), Labcorp
Classification: Likely benign for Dilated cardiomyopathy 1G; Autosomal recessive limb-girdle muscular dystrophy type 2J. Last evaluated: 2022-08-09. Review status: criteria provided, single submitter. Criteria: Invitae Variant Classification Sherloc (09022015). Collection method: clinical testing. Allele origin: germline.

NM_001267550.2(TTN):c.20379A>G (p.Val6793=)

Gene: TTN (titin; minus strand). Cytogenetic location: 2q31.2.
Variant type: single nucleotide variant.
Coding change: c.20379A>G on transcript NM_001267550.2 (MANE Select); coding-DNA position 20379, A replaced by G.
Protein change: p.Val6793=; no amino-acid change (valine 6793 retained).
Molecular consequence: synonymous variant. On other transcripts: intron variant (3).
Genome position (GRCh38, 1-based): chr2:178,725,943, T>C on the plus strand (A>G on the coding strand, the complement: TTN is on the minus strand). VCF-style: chr2-178725943-T-C. GRCh37 (hg19) VCF-style: chr2-179590670-T-C.
Other names: c.19428A>G, p.Val6476= (NM_001256850.1); c.16647A>G, p.Val5549= (NM_133378.4); c.13282+12139A>G (NM_003319.4); c.13858+12139A>G (NM_133437.4); c.13657+12139A>G (NM_133432.3).
Identifiers: ClinVar variation 764414 (VCV000764414.23), dbSNP rs1578083859, ClinGen allele CA430291653.